The following is an entry in ClinVar:

NM_144631.6(ZNF513):c.374G>T (p.Gly125Val)

Gene: ZNF513 (zinc finger protein 513; minus strand). Cytogenetic location: 2p23.3.
Variant type: single nucleotide variant.
Coding change: c.374G>T on transcript NM_144631.6 (MANE Select); coding-DNA position 374, G replaced by T.
Protein change: p.Gly125Val; replaces glycine 125 with valine.
Molecular consequence: missense variant.
Genome position (GRCh38, 1-based): chr2:27,378,892, C>A on the plus strand (G>T on the coding strand, the complement: ZNF513 is on the minus strand). VCF-style: chr2-27378892-C-A. GRCh37 (hg19) VCF-style: chr2-27601759-C-A.
Other names: c.188G>T, p.Gly63Val (NM_001201459.2); short protein forms G125V, G63V.
Identifiers: ClinVar variation 3648350 (VCV003648350.2).
Genomic context (GRCh38, chr2:27,378,892, plus strand): 5'-GGCAGCAGGGGCCCCCCACCCGGCCCTCCTGCCCCACAACACGGCCCCTCACCTGTCGGC[C>A]CCCCACACAGCTGGCAGGCTGGGCCTGGCCTCTCACCCCTGGCCTCCCCTGGACCCCTGG-3'
Protein context (NP_653232.3, residues 115-135): RPGPACQLCG[Gly125Val]PTGEGPCCGA

ClinVar aggregate classification (germline): Uncertain significance (1 of 4 stars; one submission).

Submission:

Labcorp Genetics (formerly Invitae), Labcorp
Classification: Uncertain significance. Last evaluated: 2024-04-01. Review status: criteria provided, single submitter. Criteria: Invitae Variant Classification Sherloc (09022015). Collection method: clinical testing. Allele origin: germline.
Comment: This sequence change replaces glycine, which is neutral and non-polar, with valine, which is neutral and non-polar, at codon 125 of the ZNF513 protein (p.Gly125Val). This variant is not present in population databases (gnomAD no frequency). This variant has not been reported in the literature in individuals affected with ZNF513-related conditions. An algorithm developed to predict the effect of missense changes on protein structure and function (PolyPhen-2) suggests that this variant is likely to be disruptive. In summary, the available evidence is currently insufficient to determine the role of this variant in disease. Therefore, it has been classified as a Variant of Uncertain Significance.